The following is an entry in ClinVar:

ClinVar aggregate classification (germline): Uncertain significance (1 of 4 stars; one submission).

Allele frequency attached by ClinVar (database versions not stated): TOPMed below 0.00001; gnomAD 0.00001.
gnomAD v4.1: 1 of 1,613,932 alleles (0.000062%); highest among the groups gnomAD compares: Non-Finnish European, 0.000085%; no homozygotes.

Submission:

Labcorp Genetics (formerly Invitae), Labcorp
Classification: Uncertain significance. Last evaluated: 2022-11-23. Review status: criteria provided, single submitter. Criteria: Invitae Variant Classification Sherloc (09022015). Collection method: clinical testing. Allele origin: germline.
Comment: This sequence change replaces histidine, which is basic and polar, with arginine, which is basic and polar, at codon 417 of the RIPK1 protein (p.His417Arg). This variant is not present in population databases (gnomAD no frequency). This variant has not been reported in the literature in individuals affected with RIPK1-related conditions. Algorithms developed to predict the effect of missense changes on protein structure and function are either unavailable or do not agree on the potential impact of this missense change (SIFT: "Not Available"; PolyPhen-2: "Possibly Damaging"; Align-GVGD: "Not Available"). In summary, the available evidence is currently insufficient to determine the role of this variant in disease. Therefore, it has been classified as a Variant of Uncertain Significance.

NM_001354930.2(RIPK1):c.1250A>G (p.His417Arg)

Gene: RIPK1 (receptor interacting serine/threonine kinase 1; plus strand). Cytogenetic location: 6p25.2.
Variant type: single nucleotide variant.
Coding change: c.1250A>G on transcript NM_001354930.2 (MANE Select); coding-DNA position 1250, A replaced by G.
Protein change: p.His417Arg; replaces histidine 417 with arginine.
Molecular consequence: missense variant.
Genome position (GRCh38, 1-based): chr6:3,105,725, A>G. VCF-style: chr6-3105725-A-G. GRCh37 (hg19) VCF-style: chr6-3105959-A-G.
Other names: c.1112A>G, p.His371Arg (NM_001354931.2); c.761A>G, p.His254Arg (NM_001354932.2, NM_001354933.2, NM_001354934.2 and 1 more transcripts); c.1250A>G, p.His417Arg (NM_003804.6); short protein forms H371R, H254R, H417R.
Identifiers: ClinVar variation 2815430 (VCV002815430.3), dbSNP rs1760814947, ClinGen allele CA362572176.
Genomic context (GRCh38, chr6:3,105,725, plus strand): 5'-AGCAGCCCAGACAGAATGTGGCTTACAACAGAGAGGAGGAAAGGAGACGCAGGGTCTCCC[A>G]TGACCCTTTTGCACAGCAAAGACCTTACGAGAATTTTCAGAATACAGAGGGAAAAGGCAC-3'
Protein context (NP_001341859.1, residues 407-427): REEERRRRVS[His417Arg]DPFAQQRPYE